The following is an entry in ClinVar:

NM_021625.5(TRPV4):c.855G>T (p.Gly285=)

Gene: TRPV4 (transient receptor potential cation channel subfamily V member 4; minus strand). Cytogenetic location: 12q24.11.
Variant type: single nucleotide variant.
Coding change: c.855G>T on transcript NM_021625.5 (MANE Select); coding-DNA position 855, G replaced by T.
Protein change: p.Gly285=; no amino-acid change (glycine 285 retained).
Molecular consequence: synonymous variant.
Genome position (GRCh38, 1-based): chr12:109,798,911, C>A on the plus strand (G>T on the coding strand, the complement: TRPV4 is on the minus strand). VCF-style: chr12-109798911-C-A. GRCh37 (hg19) VCF-style: chr12-110236716-C-A.
Other names: c.714G>T, p.Gly238= (NM_001177428.2, NM_001177433.2); c.753G>T, p.Gly251= (NM_001177431.2); c.855G>T, p.Gly285= (NM_147204.3).
Identifiers: ClinVar variation 245811 (VCV000245811.13), dbSNP rs879253959, ClinGen allele CA10584400.

ClinVar aggregate classification (germline): Likely benign. Review status: criteria provided, multiple submitters, no conflicts (2 of 4 stars). 3 submissions from 3 submitters: Likely benign (3). Last evaluated 2025-12-20.

Conditions:
TRPV4-related disorder. Also called: TRPV4-related disorders; TRPV4-related condition.
Charcot-Marie-Tooth disease axonal type 2C (HMSN2C). Also called: CHARCOT-MARIE-TOOTH DISEASE, AXONAL, AUTOSOMAL DOMINANT, TYPE 2C; Charcot-Marie-Tooth Neuropathy Type 2C; Charcot-Marie-Tooth Disease Type 2, TRPV4-Related (CMT2C). Identifiers: Orphanet 99937, MedGen C1853710, MONDO:0011633, OMIM 606071.

Allele frequency attached by ClinVar (database versions not stated): gnomAD 0.00001; gnomAD exomes 0.00002; TOPMed 0.00002.
gnomAD v4.1: 61 of 1,609,184 alleles (0.0038%); highest among the groups gnomAD compares: Non-Finnish European, 0.0049%; no homozygotes.

Submissions (3):

Labcorp Genetics (formerly Invitae), Labcorp
Classification: Likely benign for Charcot-Marie-Tooth disease axonal type 2C. Last evaluated: 2025-12-20. Review status: criteria provided, single submitter. Criteria: Invitae Variant Classification Sherloc (09022015). Collection method: clinical testing. Allele origin: germline.

PreventionGenetics, part of Exact Sciences
Classification: Likely benign for TRPV4-related condition. Last evaluated: 2025-06-21. Review status: criteria provided, single submitter. Criteria: ACMG Guidelines, 2015. Collection method: clinical testing. Allele origin: germline.
Comment: This variant is classified as likely benign based on ACMG/AMP sequence variant interpretation guidelines (Richards et al. 2015 PMID: 25741868, with internal and published modifications).

GeneDx
Classification: Likely benign. Last evaluated: 2020-02-24. Review status: criteria provided, single submitter. Criteria: GeneDx Variant Classification Process June 2021. Collection method: clinical testing. Allele origin: germline. Affected: yes.